The following is an entry in ClinVar:

ClinVar aggregate classification (germline): Uncertain significance (1 of 4 stars; one submission).

Conditions:
Hyperkalemic periodic paralysis. Also called: Familial hyperkalemic periodic paralysis; Gamstorp disease. Identifiers: Orphanet 682, MedGen C0238357, MONDO:0008224, OMIM 170500, HP:0007215.

Submission:

Labcorp Genetics (formerly Invitae), Labcorp
Classification: Uncertain significance for Hyperkalemic periodic paralysis. Last evaluated: 2022-04-26. Review status: criteria provided, single submitter. Criteria: Invitae Variant Classification Sherloc (09022015). Collection method: clinical testing. Allele origin: germline.
Comment: In summary, the available evidence is currently insufficient to determine the role of this variant in disease. Therefore, it has been classified as a Variant of Uncertain Significance. Algorithms developed to predict the effect of missense changes on protein structure and function (SIFT, PolyPhen-2, Align-GVGD) all suggest that this variant is likely to be disruptive. This variant has not been reported in the literature in individuals affected with SCN4A-related conditions. This variant is not present in population databases (gnomAD no frequency). This sequence change replaces alanine, which is neutral and non-polar, with threonine, which is neutral and polar, at codon 1750 of the SCN4A protein (p.Ala1750Thr).

NM_000334.4(SCN4A):c.5248G>A (p.Ala1750Thr)

Genes: GH-LCR (growth hormone locus control region; plus strand), SCN4A (sodium voltage-gated channel alpha subunit 4; minus strand). Cytogenetic location: 17q23.3.
Variant type: single nucleotide variant.
Coding change: c.5248G>A on transcript NM_000334.4 (MANE Select); coding-DNA position 5248, G replaced by A.
Protein change: p.Ala1750Thr; replaces alanine 1750 with threonine.
Molecular consequence: missense variant.
Genome position (GRCh38, 1-based): chr17:63,941,034, C>T on the plus strand (G>A on the coding strand, the complement: SCN4A is on the minus strand). VCF-style: chr17-63941034-C-T. GRCh37 (hg19) VCF-style: chr17-62018394-C-T.
Other names: short protein forms A1750T.
Identifiers: ClinVar variation 2130884 (VCV002130884.4), dbSNP rs1908507507, ClinGen allele CA400613225.